The following is an entry in ClinVar:

NM_004415.4(DSP):c.6345G>T (p.Leu2115Phe)

Gene: DSP (desmoplakin; plus strand). Cytogenetic location: 6p24.3.
Variant type: single nucleotide variant.
Coding change: c.6345G>T on transcript NM_004415.4 (MANE Select); coding-DNA position 6345, G replaced by T.
Protein change: p.Leu2115Phe; replaces leucine 2115 with phenylalanine.
Molecular consequence: missense variant.
Genome position (GRCh38, 1-based): chr6:7,583,607, G>T. VCF-style: chr6-7583607-G-T. GRCh37 (hg19) VCF-style: chr6-7583840-G-T.
Other names: c.6345G>T (NM_004415.3, LRG_423t1); c.4548G>T, p.Leu1516Phe (NM_001008844.3); c.5016G>T, p.Leu1672Phe (NM_001319034.2); short protein forms L2115F, L1516F, L1672F.
Identifiers: ClinVar variation 465904 (VCV000465904.15), dbSNP rs766950975, ClinGen allele CA047362.

ClinVar aggregate classification (germline): Conflicting classifications of pathogenicity. Review status: criteria provided, conflicting classifications (1 of 4 stars). 6 submissions from 6 submitters: Uncertain significance (5); Likely benign (1). Last evaluated 2025-06-08.

Conditions:
Cardiomyopathy (CMYO). Also called: Cardiomyopathies. Identifiers: Orphanet 167848, MedGen C0878544, MONDO:0004994, HP:0001638. Inheritance: Various modes of inheritance.
Cardiovascular phenotype. Identifiers: MedGen CN230736.
Arrhythmogenic right ventricular dysplasia 8 (ARVD8). Also called: Arrhythmogenic Right Ventricular Dysplasia/Cardiomyopathy 8; ARRHYTHMOGENIC RIGHT VENTRICULAR DYSPLASIA, FAMILIAL, 8; ARRHYTHMOGENIC RIGHT VENTRICULAR CARDIOMYOPATHY 8. Identifiers: MedGen C1843896, MONDO:0011831, OMIM 607450.
Arrhythmogenic cardiomyopathy with wooly hair and keratoderma. Also called: Carvajal syndrome; Dilated cardiomyopathy with woolly hair and keratoderma; Arrhythmogenic cardiomyopathy with woolly hair and keratoderma; PALMOPLANTAR KERATODERMA WITH LEFT VENTRICULAR CARDIOMYOPATHY AND WOOLLY HAIR. Identifiers: Orphanet 65282, MedGen C1854063, MONDO:0011581, OMIM 605676.

Allele frequency attached by ClinVar (database versions not stated): TOPMed below 0.00001; gnomAD 0.00002; gnomAD exomes 0.00002 and 0.00005; ExAC 0.00007.
gnomAD v4.1: 29 of 1,614,020 alleles (0.0018%); highest among the groups gnomAD compares: Non-Finnish European, 0.001%; no homozygotes.

Submissions (6):

GeneDx
Classification: Uncertain significance. Last evaluated: 2025-06-08. Review status: criteria provided, single submitter. Criteria: GeneDx Variant Classification Process June 2021. Collection method: clinical testing. Allele origin: germline. Affected: yes.
Comment: In silico analysis supports that this missense variant has a deleterious effect on protein structure/function; Has not been previously published as pathogenic or benign to our knowledge

Labcorp Genetics (formerly Invitae), Labcorp
Classification: Likely benign for Arrhythmogenic cardiomyopathy with wooly hair and keratoderma; Arrhythmogenic right ventricular dysplasia 8. Last evaluated: 2025-05-23. Review status: criteria provided, single submitter. Criteria: Invitae Variant Classification Sherloc (09022015). Collection method: clinical testing. Allele origin: germline.

Color Diagnostics, LLC DBA Color Health
Classification: Uncertain significance for Cardiomyopathy. Last evaluated: 2023-11-08. Review status: criteria provided, single submitter. Criteria: ACMG Guidelines, 2015. Collection method: clinical testing. Allele origin: germline.
Comment: This missense variant replaces leucine with phenylalanine at codon 2115 of the DSP protein. Computational prediction suggests that this variant may not impact protein structure and function. To our knowledge, functional studies have not been reported for this variant. This variant has not been reported in individuals affected with DSP-related disorders in the literature. This variant has been identified in 15/282732 chromosomes in the general population by the Genome Aggregation Database (gnomAD). The available evidence is insufficient to determine the role of this variant in disease conclusively. Therefore, this variant is classified as a Variant of Uncertain Significance.

Women's Health and Genetics/Laboratory Corporation of America, LabCorp
Classification: Uncertain significance. Last evaluated: 2023-08-19. Review status: criteria provided, single submitter. Criteria: LabCorp Variant Classification Summary - May 2015. Collection method: clinical testing. Allele origin: germline.

Blueprint Genetics
Classification: Uncertain significance. Last evaluated: 2021-02-17. Review status: criteria provided, single submitter. Criteria: ACMG Guidelines, 2015. Collection method: clinical testing. Allele origin: germline.

Ambry Genetics
Classification: Uncertain significance for Cardiovascular phenotype. Last evaluated: 2020-03-04. Review status: criteria provided, single submitter. Criteria: Ambry Variant Classification Scheme 2023. Collection method: clinical testing. Allele origin: germline.
Comment: The p.L2115F variant (also known as c.6345G>T), located in coding exon 24 of the DSP gene, results from a G to T substitution at nucleotide position 6345. The leucine at codon 2115 is replaced by phenylalanine, an amino acid with highly similar properties. This amino acid position is not well conserved in available vertebrate species. In addition, this alteration is predicted to be tolerated by in silico analysis. Since supporting evidence is limited at this time, the clinical significance of this alteration remains unclear.